The following is an entry in ClinVar:

ClinVar aggregate classification (germline): Pathogenic (1 of 4 stars; one submission).

Submission:

Labcorp Genetics (formerly Invitae), Labcorp
Classification: Pathogenic. Last evaluated: 2023-12-02. Review status: criteria provided, single submitter. Criteria: Invitae Variant Classification Sherloc (09022015). Collection method: clinical testing. Allele origin: germline.
Comment: This sequence change creates a premature translational stop signal (p.Leu229*) in the DDR2 gene. It is expected to result in an absent or disrupted protein product. Loss-of-function variants in DDR2 are known to be pathogenic (PMID: 11375938, 29884795). This variant is not present in population databases (gnomAD no frequency). This variant has not been reported in the literature in individuals affected with DDR2-related conditions. For these reasons, this variant has been classified as Pathogenic.

Literature cited by the submitters: PubMed 11375938; PubMed 29884795.

NM_006182.4(DDR2):c.681del (p.Gly228_Leu229insTer)

Gene: DDR2 (discoidin domain receptor tyrosine kinase 2; plus strand). Cytogenetic location: 1q23.3.
Variant type: Deletion.
Coding change: c.681del on transcript NM_006182.4 (MANE Select); coding-DNA position 681, one base deleted (A; older notation c.681delA).
Protein change: p.Gly228_Leu229insTer.
Molecular consequence: frameshift variant.
Genome position (GRCh38, 1-based): chr1:162,759,805, A deleted; the last of 2 consecutive A bases (chr1:162,759,804-162,759,805); deleting either gives the same sequence. VCF-style (leftmost placement, unchanged base first): chr1-162759803-GA-G. GRCh37 (hg19) VCF-style: chr1-162729593-GA-G.
Other names: c.681del, p.Gly228_Leu229insTer (NM_001014796.3, NM_001354982.2, NM_001354983.2).
Identifiers: ClinVar variation 2736527 (VCV002736527.3), dbSNP rs2526835356, ClinGen allele CA2697554630.